The following is an entry in ClinVar:

ClinVar aggregate classification (germline): Likely benign (1 of 4 stars; one submission).

gnomAD v4.1: 1,015 of 1,613,820 alleles (0.063%); highest among the groups gnomAD compares: Non-Finnish European, 0.084%; no homozygotes.

Submission:

CeGaT Center for Human Genetics Tuebingen
Classification: Likely benign. Last evaluated: 2025-12-01. Review status: criteria provided, single submitter. Criteria: CeGaT Center For Human Genetics Tuebingen Variant Classification Criteria Version 2. Collection method: clinical testing. Allele origin: germline. Affected: yes. Observed: 1 variant allele.
Comment: FLG2: BP4, BP7

NM_001014342.3(FLG2):c.6822C>T (p.His2274=)

Genes: CCDST (cervical cancer associated DHX9 suppressive transcript; plus strand), FLG2 (filaggrin 2; minus strand). Cytogenetic location: 1q21.3.
Variant type: single nucleotide variant.
Coding change: c.6822C>T on transcript NM_001014342.3 (MANE Select); coding-DNA position 6822, C replaced by T.
Protein change: p.His2274=; no amino-acid change (histidine 2274 retained).
Molecular consequence: synonymous variant.
Genome position (GRCh38, 1-based): chr1:152,350,964, G>A on the plus strand (C>T on the coding strand, the complement: FLG2 is on the minus strand). VCF-style: chr1-152350964-G-A. GRCh37 (hg19) VCF-style: chr1-152323440-G-A.
Identifiers: ClinVar variation 4681457 (VCV004681457.5).